The following is an entry in ClinVar:

ClinVar aggregate classification (germline): Likely pathogenic (1 of 4 stars; one submission).

Conditions:
Hereditary cancer-predisposing syndrome. Also called: Neoplastic Syndromes, Hereditary; Hereditary Cancer Syndrome; Hereditary neoplastic syndrome; Tumor predisposition. Identifiers: Orphanet 140162, MedGen C0027672, MeSH D009386, MONDO:0015356.

Submission:

Ambry Genetics
Classification: Likely pathogenic for Hereditary cancer-predisposing syndrome. Last evaluated: 2023-04-25. Review status: criteria provided, single submitter. Criteria: Ambry Variant Classification Scheme 2023. Collection method: clinical testing. Allele origin: germline.
Comment: The p.S132* variant (also known as c.395C>A), located in coding exon 3 of the XRCC2 gene, results from a C to A substitution at nucleotide position 395. This changes the amino acid from a serine to a stop codon within coding exon 3. This alteration occurs at the 3' terminus of theXRCC2 gene, is not expected to trigger nonsense-mediated mRNA decay, and impacts the last 149 amino acids of the protein. However, premature stop codons are typically deleterious in nature and a significant portion of the protein is affected (Ambry internal data). This variant is considered to be rare based on population cohorts in the Genome Aggregation Database (gnomAD). Based on the majority of available evidence to date, this variant is likely to be pathogenic.

NM_005431.2(XRCC2):c.395C>A (p.Ser132Ter)

Gene: XRCC2 (X-ray repair cross complementing 2; minus strand). Cytogenetic location: 7q36.1.
Variant type: single nucleotide variant.
Coding change: c.395C>A on transcript NM_005431.2 (MANE Select); coding-DNA position 395, C replaced by A.
Protein change: p.Ser132Ter; replaces serine 132 with a stop codon.
Molecular consequence: nonsense.
Genome position (GRCh38, 1-based): chr7:152,649,090, G>T on the plus strand (C>A on the coding strand, the complement: XRCC2 is on the minus strand). VCF-style: chr7-152649090-G-T. GRCh37 (hg19) VCF-style: chr7-152346175-G-T.
Other names: short protein forms S132*.
Identifiers: ClinVar variation 2562726 (VCV002562726.2), dbSNP rs2485881405, ClinGen allele CA370198794.